The following is an entry in ClinVar:

ClinVar aggregate classification (germline): Pathogenic. Review status: criteria provided, multiple submitters, no conflicts (2 of 4 stars). 11 submissions from 11 submitters: Pathogenic (8). 3 of the submissions do not count toward it. Last evaluated 2025-12-24.

Conditions:
NPHS1-related disorder. Also called: NPHS1-related condition.
Finnish congenital nephrotic syndrome (NPHS1). Also called: NEPHROTIC SYNDROME, TYPE 1. Identifiers: Orphanet 839, MedGen C0403399, MONDO:0009732, OMIM 256300.

Allele frequency attached by ClinVar (database versions not stated): gnomAD 0.00089 and 0.00086; ExAC 0.00101; TOPMed 0.00001; gnomAD exomes 0.00040 and 0.00108.

Submissions (11):

Labcorp Genetics (formerly Invitae), Labcorp
Classification: Pathogenic. Last evaluated: 2025-12-24. Review status: criteria provided, single submitter. Criteria: Invitae Variant Classification Sherloc (09022015). Collection method: clinical testing. Allele origin: germline.
Comment: This sequence change creates a premature translational stop signal (p.Leu41Aspfs*50) in the NPHS1 gene. It is expected to result in an absent or disrupted protein product. Loss-of-function variants in NPHS1 are known to be pathogenic (PMID: 11317351, 11854170, 12039988). This variant is present in population databases (rs386833873, gnomAD 1.1%), and has an allele count higher than expected for a pathogenic variant. This premature translational stop signal has been observed in individual(s) with nephrotic syndrome, and is a common founder mutation in the Finnish population (PMID: 9660941, 9915943). It is commonly reported in individuals of Finnish ancestry (PMID: 9660941, 9915943). This variant is also known as "Fin major". ClinVar contains an entry for this variant (Variation ID: 56431). For these reasons, this variant has been classified as Pathogenic.

Blueprint Genetics
Classification: Pathogenic for NPHS1-related disorders. Last evaluated: 2024-10-08. Review status: criteria provided, single submitter. Criteria: ACMG Guidelines, 2015. Collection method: clinical testing. Allele origin: germline. Affected: yes. Observed: 5 variant alleles.

Fulgent Genetics
Classification: Pathogenic for Finnish congenital nephrotic syndrome. Last evaluated: 2024-06-18. Review status: criteria provided, single submitter. Criteria: ACMG Guidelines, 2015. Collection method: clinical testing. Allele origin: germline.

Natera, Inc.
Classification: Pathogenic for Finnish congenital nephrotic syndrome. Last evaluated: 2024-03-15. Review status: criteria provided, single submitter. Criteria: Natera Variant Classification Schema (03/2026). Collection method: clinical testing. Allele origin: germline.
Comment: The c.121_122delCT variant in NPHS1 is a frameshift variant predicted to shift the reading frame beginning at codon 41 and leads to a stop codon 50 codons downstream. This variant is expected to result in nonsense mediated decay, truncation, or a dysfunctional protein product. This variant is rare in the general population with a frequency below the threshold expected for the associated phenotype(s). This variant has been observed in one or more individuals affected with the associated recessive disease, as either homozygous or compound heterozygous with a second variant (PMID: 9660941). Given the available evidence, this variant is classified as Pathogenic.

PreventionGenetics, part of Exact Sciences
Classification: Pathogenic for NPHS1-related condition. Last evaluated: 2023-06-13. Review status: criteria provided, single submitter. Criteria: ACMG Guidelines, 2015. Collection method: clinical testing. Allele origin: germline.
Comment: The NPHS1 c.121_122delCT variant is predicted to result in a frameshift and premature protein termination (p.Leu41Aspfs*50). This small deletion has been reported to be causative for congenital nephrotic syndrome and was documented as one of two typical Finnish pathogenic NPHS1 variants (Kestilä et al. 1998. PubMed ID: 9660941; Lenkkeri et al. 1999. PubMed ID: 9915943). This variant is reported in 1.1% of alleles in individuals of European (Finnish) descent in gnomAD. Frameshift variants in NPHS1 are expected to be pathogenic. This variant is interpreted as pathogenic.

Myriad Genetics, Inc.
Classification: Pathogenic for Finnish congenital nephrotic syndrome. Last evaluated: 2019-12-20. Review status: criteria provided, single submitter. Criteria: Myriad Women's Health Autosomal Recessive and X-Linked Classification Criteria (2019). Collection method: clinical testing. Allele origin: unknown.
Comment: NM_004646.3(NPHS1):c.121_122delCT(L41Dfs*50, aka Fin major) is classified as pathogenic in the context of NPHS1-related nephrotic syndrome. Sources cited for classification include the following: PMID 9660941, 9915943 and 23949594. Classification of NM_004646.3(NPHS1):c.121_122delCT(L41Dfs*50, aka Fin major) is based on the following criteria: The variant causes a premature termination codon that is expected to be targeted by nonsense-mediated mRNA decay and is reported in individuals with the relevant phenotype. Please note: this variant was assessed in the context of healthy population screening.

Gharavi Laboratory, Columbia University
Classification: Pathogenic. Last evaluated: 2018-09-16. Review status: criteria provided, single submitter. Criteria: ACMG Guidelines, 2015. Collection method: research. Allele origin: germline. Affected: yes.

Women's Health and Genetics/Laboratory Corporation of America, LabCorp
Classification: Pathogenic for Finnish congenital nephrotic syndrome. Last evaluated: 2016-12-15. Review status: criteria provided, single submitter. Criteria: LabCorp Variant Classification Summary - May 2015. Collection method: clinical testing. Allele origin: germline.
Comment: Variant summary: The NPHS1 c.121_122delCT (p.Leu41Aspfs) variant results in a premature termination codon, predicted to cause a truncated or absent NPHS1 protein due to nonsense mediated decay, which are commonly known mechanisms for disease. The variant of interest is a Finnish founder mutation known as Fin-major. The variant of interest has been found in the large, broad control population, ExAC, with an allele frequency of 114/113010, predominantly in the Finnish cohort, 80/5484, which is expected since the variant is indicated to be a Finnish founder mutation. The variant of interest has been reported in multiple affected individuals as homozygous and compound heterozygous. In addition, multiple clinical diagnostic laboratories/databases cite the variant as "pathogenic." Therefore, the variant of interest has been classified as "pathogenic."

Reproductive Health Research and Development, BGI Genomics
Classification: Pathogenic for Finnish congenital nephrotic syndrome. Last evaluated: 2020-01-06. Review status: no assertion criteria provided. Collection method: curation. Allele origin: germline. Not counted in ClinVar's aggregate classification.
Comment: NM_004646.3:c.121_122delCT in the NPHS1 gene is also known as Fin-major in publications. It has an allele frequency of 0.011 in European (Finnish) subpopulation in the gnomAD database. The NPHS1 c.121_122delCT (p.Leu41Aspfs) variant locates at the 2nd exon out of 29 exons of the biological transcript of NPHS1. It results in a premature termination codon, predicting to cause a truncated or absent NPHS1 protein due to nonsense mediated decay. This variant also has been observed in many individuals with nephrotic syndrome, and is a common founder mutation in the Finnish population (PMID: 9660941; 9915943). Taken together, we interprete this variant as Pathogenic/Likely pathogenic. ACMG/AMP Criteria applied: PVS1; PS4; PM3; PP4.

OMIM
Classification: Pathogenic for NEPHROTIC SYNDROME, TYPE 1. Last evaluated: 1998-03-01. Review status: no assertion criteria provided. Collection method: literature only. Allele origin: germline. Not counted in ClinVar's aggregate classification.

Juha Muilu Group; Institute for Molecular Medicine Finland (FIMM)
Classification: Pathogenic for Finnish congenital nephrotic syndrome. Review status: no assertion criteria provided. Collection method: not provided. Allele origin: unknown. Not counted in ClinVar's aggregate classification.
Comment: FinDis database variant: This variant was not found or characterized by our laboratory, data were collected from public sources: see reference
ClinVar note: Converted during submission from pathogenic to Pathogenic.

Literature cited by the submitters: PubMed 11317351 (cited by Labcorp Genetics (formerly Invitae), Labcorp); PubMed 11854170 (cited by Labcorp Genetics (formerly Invitae), Labcorp); PubMed 12039988 (cited by Labcorp Genetics (formerly Invitae), Labcorp); PubMed 9660941 (cited by 4 submitters); PubMed 9915943 (cited by Labcorp Genetics (formerly Invitae), Labcorp and Myriad Genetics, Inc.); PubMed 23949594 (cited by Myriad Genetics, Inc.).

NM_004646.4(NPHS1):c.121_122del (p.Leu41fs)

Genes: KIRREL2 (kirre like nephrin family adhesion molecule 2; plus strand), NPHS1 (NPHS1 adhesion molecule, nephrin; minus strand). Cytogenetic location: 19q13.12.
Variant type: Deletion.
Coding change: c.121_122del on transcript NM_004646.4 (MANE Select); coding-DNA positions 121 to 122, 2 bases deleted (CT; older notation c.121_122delCT).
Protein change: p.Leu41fs; shifts the reading frame from leucine 41.
Molecular consequence: frameshift variant.
Genome position (GRCh38, 1-based): chr19:35,851,609-35,851,610, AG deleted on the plus strand (CT on the coding strand, the reverse complement: NPHS1 is on the minus strand). VCF-style (leftmost placement, unchanged base first): chr19-35851608-CAG-C. GRCh37 (hg19) VCF-style: chr19-36342510-CAG-C.
Other names: c.121_122delCT (NM_004646.3); short protein forms L41fs.
Identifiers: ClinVar variation 56431 (VCV000056431.25), dbSNP rs386833873, ClinGen allele CA344732.